The following is an entry in ClinVar:

NM_001114122.3(CHEK1):c.1102-9G>A

Gene: CHEK1 (checkpoint kinase 1; plus strand). Cytogenetic location: 11q24.2.
Variant type: single nucleotide variant.
Coding change: c.1102-9G>A on transcript NM_001114122.3 (MANE Select); 9 bases into the intron before coding-DNA position 1102, G replaced by A.
Molecular consequence: intron variant.
Genome position (GRCh38, 1-based): chr11:125,644,503, G>A. VCF-style: chr11-125644503-G-A. GRCh37 (hg19) VCF-style: chr11-125514398-G-A.
Other names: c.1102-9G>A (NM_001114121.2, NM_001244846.1, NM_001274.5); c.799-9G>A (NM_001330427.2); c.820-9G>A (NM_001330428.1); c.1150-9G>A (NM_001330427.1).
Identifiers: ClinVar variation 745869 (VCV000745869.6), dbSNP rs3731451, ClinGen allele CA6349604.

ClinVar aggregate classification (germline): Benign. Review status: criteria provided, single submitter (1 of 4 stars). 2 submissions from 2 submitters: Benign (1). 1 of the submissions does not count toward it. Last evaluated 2019-12-31.

Conditions:
CHEK1-related disorder. Also called: CHEK1-related condition.

Allele frequency attached by ClinVar (database versions not stated): gnomAD below 0.00001 and 0.00033; TOPMed 0.00007; gnomAD exomes 0.00049 and 0.00099; ExAC 0.00113; 1000 Genomes Project 30x 0.00234; 1000 Genomes Project 0.00260.
gnomAD v4.1: 772 of 1,612,596 alleles (0.048%); highest among the groups gnomAD compares: South Asian, 0.79%; 14 homozygotes.

Submissions (2):

Labcorp Genetics (formerly Invitae), Labcorp
Classification: Benign. Last evaluated: 2019-12-31. Review status: criteria provided, single submitter. Criteria: Invitae Variant Classification Sherloc (09022015). Collection method: clinical testing. Allele origin: germline.

PreventionGenetics, part of Exact Sciences
Classification: Benign for CHEK1-related condition. Last evaluated: 2019-12-23. Review status: no assertion criteria provided. Collection method: clinical testing. Allele origin: germline. Not counted in ClinVar's aggregate classification.
Comment: This variant is classified as benign based on ACMG/AMP sequence variant interpretation guidelines (Richards et al. 2015 PMID: 25741868, with internal and published modifications).